The following is an entry in ClinVar:

NM_032043.3(BRIP1):c.2033C>T (p.Ala678Val)

Gene: BRIP1 (BRCA1 interacting DNA helicase 1; minus strand). Cytogenetic location: 17q23.2.
Variant type: single nucleotide variant.
Coding change: c.2033C>T on transcript NM_032043.3 (MANE Select); coding-DNA position 2033, C replaced by T.
Protein change: p.Ala678Val; replaces alanine 678 with valine.
Molecular consequence: missense variant.
Genome position (GRCh38, 1-based): chr17:61,776,465, G>A on the plus strand (C>T on the coding strand, the complement: BRIP1 is on the minus strand). VCF-style: chr17-61776465-G-A. GRCh37 (hg19) VCF-style: chr17-59853826-G-A.
Other names: short protein forms A678V.
Identifiers: ClinVar variation 1001432 (VCV001001432.14), dbSNP rs1211313166, ClinGen allele CA400478251.

ClinVar aggregate classification (germline): Uncertain significance. Review status: criteria provided, multiple submitters, no conflicts (2 of 4 stars). 3 submissions from 3 submitters: Uncertain significance (3). Last evaluated 2024-05-30.

Conditions:
Hereditary cancer-predisposing syndrome. Also called: Hereditary neoplastic syndrome; Neoplastic Syndromes, Hereditary; Tumor predisposition; Hereditary Cancer Syndrome. Identifiers: Orphanet 140162, MedGen C0027672, MeSH D009386, MONDO:0015356.
Familial cancer of breast. Also called: hereditary breast carcinoma; BREAST CANCER, FAMILIAL; Hereditary breast cancer. Identifiers: Orphanet 227535, MedGen C0346153, MONDO:0016419, OMIM 114480. Disease mechanism: loss of function.
Fanconi anemia complementation group J. Also called: BRIP1-Related Fanconi Anemia. Identifiers: Orphanet 84, MedGen C1836860, MONDO:0012187, OMIM 609054.

Allele frequency attached by ClinVar (database versions not stated): gnomAD exomes below 0.00001.
gnomAD v4.1: 1 of 1,614,092 alleles (0.000062%); highest among the groups gnomAD compares: Admixed American, 0.0017%; no homozygotes.

Submissions (3):

Ambry Genetics
Classification: Uncertain significance for Hereditary cancer-predisposing syndrome. Last evaluated: 2024-05-30. Review status: criteria provided, single submitter. Criteria: Ambry Variant Classification Scheme 2023. Collection method: clinical testing. Allele origin: germline.
Comment: The p.A678V variant (also known as c.2033C>T), located in coding exon 13 of the BRIP1 gene, results from a C to T substitution at nucleotide position 2033. The alanine at codon 678 is replaced by valine, an amino acid with similar properties. This amino acid position is conserved. In addition, this alteration is predicted to be tolerated by in silico analysis. Since supporting evidence is limited at this time, the clinical significance of this alteration remains unclear.

Color Diagnostics, LLC DBA Color Health
Classification: Uncertain significance for Hereditary cancer-predisposing syndrome. Last evaluated: 2024-03-06. Review status: criteria provided, single submitter. Criteria: ACMG Guidelines, 2015. Collection method: clinical testing. Allele origin: germline.
Comment: This missense variant replaces alanine with valine at codon 678 of the BRIP1 protein. Computational prediction suggests that this variant may not impact protein structure and function (internally defined REVEL score threshold <= 0.5, PMID: 27666373). To our knowledge, functional studies have not been reported for this variant. This variant has not been reported in individuals affected with hereditary cancer in the literature. This variant has been identified in 1/251310 chromosomes in the general population by the Genome Aggregation Database (gnomAD). The available evidence is insufficient to determine the role of this variant in disease conclusively. Therefore, this variant is classified as a Variant of Uncertain Significance.

Labcorp Genetics (formerly Invitae), Labcorp
Classification: Uncertain significance for Familial cancer of breast; Fanconi anemia complementation group J. Last evaluated: 2022-03-08. Review status: criteria provided, single submitter. Criteria: Invitae Variant Classification Sherloc (09022015). Collection method: clinical testing. Allele origin: germline.
Comment: In summary, the available evidence is currently insufficient to determine the role of this variant in disease. Therefore, it has been classified as a Variant of Uncertain Significance. Algorithms developed to predict the effect of missense changes on protein structure and function are either unavailable or do not agree on the potential impact of this missense change (SIFT: "Tolerated"; PolyPhen-2: "Possibly Damaging"; Align-GVGD: "Class C0"). ClinVar contains an entry for this variant (Variation ID: 1001432). This variant has not been reported in the literature in individuals affected with BRIP1-related conditions. This variant is present in population databases (no rsID available, gnomAD 0.003%). This sequence change replaces alanine, which is neutral and non-polar, with valine, which is neutral and non-polar, at codon 678 of the BRIP1 protein (p.Ala678Val).